The following is an entry in ClinVar:

ClinVar aggregate classification (germline): Benign. Review status: criteria provided, multiple submitters, no conflicts (2 of 4 stars). 7 submissions from 7 submitters: Benign (7). Last evaluated 2026-02-01.

Conditions:
Holoprosencephaly sequence (HPE). Also called: Holoprosencephaly. Identifiers: Orphanet 2162, MedGen C0079541, MONDO:0016296, HP:0001360.

Allele frequency attached by ClinVar (database versions not stated): ESP Exome Variant Server 0.00739; 1000 Genomes Project 0.00759; TOPMed 0.00769; 1000 Genomes Project 30x 0.00890.

Submissions (7):

Labcorp Genetics (formerly Invitae), Labcorp
Classification: Benign for Holoprosencephaly sequence. Last evaluated: 2026-02-01. Review status: criteria provided, single submitter. Criteria: Invitae Variant Classification Sherloc (09022015). Collection method: clinical testing. Allele origin: germline.

Women's Health and Genetics/Laboratory Corporation of America, LabCorp
Classification: Benign. Last evaluated: 2024-08-11. Review status: criteria provided, single submitter. Criteria: LabCorp Variant Classification Summary - May 2015. Collection method: clinical testing. Allele origin: germline.

ARUP Laboratories, Molecular Genetics and Genomics, ARUP Laboratories
Classification: Benign. Last evaluated: 2022-03-09. Review status: criteria provided, single submitter. Criteria: ARUP Molecular Germline Variant Investigation Process 2021. Collection method: clinical testing. Allele origin: germline.

GeneDx
Classification: Benign. Last evaluated: 2019-03-21. Review status: criteria provided, single submitter. Criteria: GeneDx Variant Classification Process June 2021. Collection method: clinical testing. Allele origin: germline. Affected: yes.

Illumina Laboratory Services, Illumina
Classification: Benign for Holoprosencephaly sequence. Last evaluated: 2018-01-13. Review status: criteria provided, single submitter. Criteria: ICSL Variant Classification Criteria 13 December 2019. Collection method: clinical testing. Allele origin: germline.
Comment: This variant was observed in the ICSL laboratory as part of a predisposition screen in an ostensibly healthy population. It had not been previously curated by ICSL or reported in the Human Gene Mutation Database (HGMD: prior to June 1st, 2018), and was therefore a candidate for classification through an automated scoring system. Utilizing variant allele frequency, disease prevalence and penetrance estimates, and inheritance mode, an automated score was calculated to assess if this variant is too frequent to cause the disease. Based on the score and internal cut-off values, a variant classified as benign is not then subjected to further curation. The score for this variant resulted in a classification of benign for this disease.

Breakthrough Genomics
Classification: Benign. Review status: criteria provided, single submitter. Criteria: ACMG Guidelines, 2015. Collection method: not provided. Allele origin: germline. Inheritance: Unknown mechanism. Affected: yes.

PreventionGenetics, part of Exact Sciences
Classification: Benign. Review status: criteria provided, single submitter. Criteria: ACMG Guidelines, 2015. Collection method: clinical testing. Allele origin: germline.

NM_003923.3(FOXH1):c.771C>A (p.Gly257=)

Gene: FOXH1 (forkhead box H1; minus strand). Cytogenetic location: 8q24.3.
Variant type: single nucleotide variant.
Coding change: c.771C>A on transcript NM_003923.3 (MANE Select); coding-DNA position 771, C replaced by A.
Protein change: p.Gly257=; no amino-acid change (glycine 257 retained).
Molecular consequence: synonymous variant.
Genome position (GRCh38, 1-based): chr8:144,474,565, G>T on the plus strand (C>A on the coding strand, the complement: FOXH1 is on the minus strand). VCF-style: chr8-144474565-G-T. GRCh37 (hg19) VCF-style: chr8-145699948-G-T.
Identifiers: ClinVar variation 219981 (VCV000219981.29), dbSNP rs115750264, ClinGen allele CA349886.